The following is an entry in ClinVar:

ClinVar aggregate classification (germline): Conflicting classifications of pathogenicity. Review status: criteria provided, conflicting classifications (1 of 4 stars). 3 submissions from 3 submitters: Uncertain significance (2); Benign (1). Last evaluated 2026-01-27.

Conditions:
Hereditary cancer-predisposing syndrome. Also called: Neoplastic Syndromes, Hereditary; Tumor predisposition; Hereditary Cancer Syndrome; Hereditary neoplastic syndrome. Identifiers: Orphanet 140162, MedGen C0027672, MeSH D009386, MONDO:0015356.
BAP1-related tumor predisposition syndrome (TPDS1). Also called: BAP1 tumor predisposition syndrome; COMMON Syndrome; TUMOR PREDISPOSITION SYNDROME 1; Tumor susceptibility linked to germline BAP1 mutations. Identifiers: Orphanet 289539, MedGen C3280492, MONDO:0013692, OMIM 614327.

Allele frequency attached by ClinVar (database versions not stated): gnomAD exomes 0.00001 and 0.00004; TOPMed 0.00001; ExAC 0.00002.
gnomAD v4.1: 51 of 1,614,152 alleles (0.0032%); highest among the groups gnomAD compares: Non-Finnish European, 0.0043%; no homozygotes.

Submissions (3):

Labcorp Genetics (formerly Invitae), Labcorp
Classification: Uncertain significance for BAP1-related tumor predisposition syndrome. Last evaluated: 2026-01-27. Review status: criteria provided, single submitter. Criteria: Invitae Variant Classification Sherloc (09022015). Collection method: clinical testing. Allele origin: germline.
Comment: This sequence change replaces threonine, which is neutral and polar, with alanine, which is neutral and non-polar, at codon 613 of the BAP1 protein (p.Thr613Ala). This variant is present in population databases (rs749728488, gnomAD 0.002%). This missense change has been observed in individual(s) with melanoma (PMID: 28062663). ClinVar contains an entry for this variant (Variation ID: 472681). Invitae Evidence Modeling of protein sequence and biophysical properties (such as structural, functional, and spatial information, amino acid conservation, physicochemical variation, residue mobility, and thermodynamic stability) indicates that this missense variant is not expected to disrupt BAP1 protein function with a negative predictive value of 80%. In summary, the available evidence is currently insufficient to determine the role of this variant in disease. Therefore, it has been classified as a Variant of Uncertain Significance.

Ambry Genetics
Classification: Benign for Hereditary cancer-predisposing syndrome. Last evaluated: 2025-10-24. Review status: criteria provided, single submitter. Criteria: Ambry Variant Classification Scheme 2023. Collection method: clinical testing. Allele origin: germline.

Color Diagnostics, LLC DBA Color Health
Classification: Uncertain significance for Hereditary cancer-predisposing syndrome. Last evaluated: 2024-02-26. Review status: criteria provided, single submitter. Criteria: ACMG Guidelines, 2015. Collection method: clinical testing. Allele origin: germline.
Comment: This missense variant replaces threonine with alanine at codon 613 of the BAP1 protein. Computational prediction suggests that this variant may not impact protein structure and function. To our knowledge, functional studies have not been reported for this variant. This variant has been reported in an individual affected with melanoma in the literature (PMID 28062663). This variant has been identified in 2/251426 chromosomes in the general population by the Genome Aggregation Database (gnomAD). The available evidence is insufficient to determine the role of this variant in disease conclusively. Therefore, this variant is classified as a Variant of Uncertain Significance.

Literature cited by the submitters: PubMed 28062663 (cited by 3 submitters); PubMed 38969833 (cited by Ambry Genetics).

NM_004656.4(BAP1):c.1837A>G (p.Thr613Ala)

Gene: BAP1 (BRCA1 associated deubiquitinase 1; minus strand). Cytogenetic location: 3p21.1.
Variant type: single nucleotide variant.
Coding change: c.1837A>G on transcript NM_004656.4 (MANE Select); coding-DNA position 1837, A replaced by G.
Protein change: p.Thr613Ala; replaces threonine 613 with alanine.
Molecular consequence: missense variant.
Genome position (GRCh38, 1-based): chr3:52,403,191, T>C on the plus strand (A>G on the coding strand, the complement: BAP1 is on the minus strand). VCF-style: chr3-52403191-T-C. GRCh37 (hg19) VCF-style: chr3-52437207-T-C.
Other names: short protein forms T613A.
Identifiers: ClinVar variation 472681 (VCV000472681.18), dbSNP rs749728488, ClinGen allele CA2436705.